The following is an entry in ClinVar:

NM_177559.3(CSNK2A1):c.142G>A (p.Gly48Ser)

Gene: CSNK2A1 (casein kinase 2 alpha 1; minus strand). Cytogenetic location: 20p13.
Variant type: single nucleotide variant.
Coding change: c.142G>A on transcript NM_177559.3 (MANE Select); coding-DNA position 142, G replaced by A.
Protein change: p.Gly48Ser; replaces glycine 48 with serine.
Molecular consequence: missense variant. On other transcripts: 5 prime UTR variant (1).
Genome position (GRCh38, 1-based): chr20:505,189, C>T on the plus strand (G>A on the coding strand, the complement: CSNK2A1 is on the minus strand). VCF-style: chr20-505189-C-T. GRCh37 (hg19) VCF-style: chr20-485833-C-T.
Other names: c.142G>A, p.Gly48Ser (NM_001362770.2, NM_001362771.2, NM_001895.4); c.-267G>A (NM_177560.3); short protein forms G48S.
Identifiers: ClinVar variation 1675245 (VCV001675245.5), dbSNP rs2122559586, ClinGen allele CA407940165.
Genomic context (GRCh38, chr20:505,189, plus strand): 5'-TAACAACAACTTTTTCATTATTTGTGATGTTGATGGCTTCAAATACTTCACTGTATTTAC[C>T]TCGGCCTAATTTTCGAACCAGCTGGTAGTCATCTTGATTTCTGTGGACACAAACAAAATG-3'
Protein context (NP_808227.1, residues 38-58): DYQLVRKLGR[Gly48Ser]KYSEVFEAIN

ClinVar aggregate classification (germline): Pathogenic/Likely pathogenic. Review status: criteria provided, multiple submitters, no conflicts (2 of 4 stars). 2 submissions from 2 submitters: Pathogenic (1); Likely pathogenic (1). Last evaluated 2023-10-30.

Conditions:
CSNK2A1-related disorder. Also called: CSNK2A1-related condition; CSNK2A1- Related Disorders.

Submissions (2):

GeneDx
Classification: Pathogenic. Last evaluated: 2023-10-30. Review status: criteria provided, single submitter. Criteria: GeneDx Variant Classification Process June 2021. Collection method: clinical testing. Allele origin: germline. Affected: yes.
Comment: Not observed at significant frequency in large population cohorts (gnomAD); In silico analysis supports that this missense variant has a deleterious effect on protein structure/function; This variant is associated with the following publications: (PMID: 37195306)

Blueprint Genetics
Classification: Likely pathogenic for CSNK2A1-related disorders. Last evaluated: 2021-02-05. Review status: criteria provided, single submitter. Criteria: ACMG Guidelines, 2015. Collection method: clinical testing. Allele origin: germline. Affected: yes. Observed: 2 variant alleles.